The following is an entry in ClinVar:

NM_001267550.2(TTN):c.101208G>A (p.Trp33736Ter)

Genes: TTN (titin; minus strand), TTN-AS1 (TTN antisense RNA 1; plus strand). Cytogenetic location: 2q31.2.
Variant type: single nucleotide variant.
Coding change: c.101208G>A on transcript NM_001267550.2 (MANE Select); coding-DNA position 101208, G replaced by A.
Protein change: p.Trp33736Ter; replaces tryptophan 33736 with a stop codon.
Molecular consequence: nonsense.
Genome position (GRCh38, 1-based): chr2:178,535,407, C>T on the plus strand (G>A on the coding strand, the complement: TTN is on the minus strand). VCF-style: chr2-178535407-C-T. GRCh37 (hg19) VCF-style: chr2-179400134-C-T.
Other names: c.96285G>A, p.Trp32095Ter (NM_001256850.1); c.74013G>A, p.Trp24671Ter (NM_003319.4); c.93504G>A, p.Trp31168Ter (NM_133378.4); c.74388G>A, p.Trp24796Ter (NM_133432.3); c.74589G>A, p.Trp24863Ter (NM_133437.4); short protein forms W24671*, W24796*, W24863*, W31168*, W32095*, W33736*.
Identifiers: ClinVar variation 1068313 (VCV001068313.32), dbSNP rs1559047711, ClinGen allele CA349421297.

ClinVar aggregate classification (germline): Likely pathogenic. Review status: criteria provided, multiple submitters, no conflicts (2 of 4 stars). 2 submissions from 2 submitters: Likely pathogenic (2). Last evaluated 2023-12-06.

Conditions:
Dilated cardiomyopathy 1G (CMD1G). Identifiers: Orphanet 154, MedGen C1858763, MONDO:0011400, OMIM 604145.
Autosomal recessive limb-girdle muscular dystrophy type 2J (LGMDR10). Also called: Limb-girdle muscular dystrophy, type 2J; MUSCULAR DYSTROPHY, LIMB-GIRDLE, AUTOSOMAL RECESSIVE 10. Identifiers: Orphanet 140922, MedGen C1837342, MONDO:0012127, OMIM 608807.
Primary dilated cardiomyopathy (DCM). Also called: Dilated Cardiomyopathy. Identifiers: Orphanet 217604, MedGen C0007193, MeSH D002311, MONDO:0005021, HP:0001644. Inheritance: Various modes of inheritance.

Submissions (2):

Labcorp Genetics (formerly Invitae), Labcorp
Classification: Likely pathogenic for Dilated cardiomyopathy 1G; Autosomal recessive limb-girdle muscular dystrophy type 2J. Last evaluated: 2023-12-06. Review status: criteria provided, single submitter. Criteria: Invitae Variant Classification Sherloc (09022015). Collection method: clinical testing. Allele origin: germline.
Comment: This sequence change creates a premature translational stop signal (p.Trp33736*) in the TTN gene. While this is not anticipated to result in nonsense mediated decay, it is expected to create a truncated TTN protein. This variant is not present in population databases (gnomAD no frequency). This variant has not been reported in the literature in individuals affected with TTN-related conditions. ClinVar contains an entry for this variant (Variation ID: 1068313). This variant is located in the M band of TTN (PMID: 25589632). Truncating variants in this region have been previously reported in individuals affected with autosomal recessive myopathy and muscular dystrophy (PMID: 18948003, 23975875, 24395473). Truncating variants in this region have also been identified in individuals affected with autosomal dominant dilated cardiomyopathy and/or cardio-related conditions (PMID: 27869827, 32964742). In summary, the currently available evidence indicates that the variant is pathogenic, but additional data are needed to prove that conclusively. Therefore, this variant has been classified as Likely Pathogenic.

Center for Human Genetics, University of Leuven
Classification: Likely pathogenic for Primary dilated cardiomyopathy. Last evaluated: 2022-12-31. Review status: criteria provided, single submitter. Criteria: ACMG Guidelines, 2015. Collection method: clinical testing. Allele origin: germline. Affected: yes.

Literature cited by the submitters: PubMed 25589632 (cited by Labcorp Genetics (formerly Invitae), Labcorp); PubMed 18948003 (cited by Labcorp Genetics (formerly Invitae), Labcorp); PubMed 23975875 (cited by Labcorp Genetics (formerly Invitae), Labcorp); PubMed 24395473 (cited by Labcorp Genetics (formerly Invitae), Labcorp); PubMed 27869827 (cited by Labcorp Genetics (formerly Invitae), Labcorp); PubMed 32964742 (cited by Labcorp Genetics (formerly Invitae), Labcorp).